The following is an entry in ClinVar:

ClinVar aggregate classification (germline): Uncertain significance (0 of 4 stars; one submission).

Conditions:
SEMA3G-related disorder. Also called: SEMA3G-related condition.

Submission:

PreventionGenetics, part of Exact Sciences
Classification: Uncertain significance for SEMA3G-related condition. Last evaluated: 2024-03-20. Review status: no assertion criteria provided. Collection method: clinical testing. Allele origin: germline.
Comment: The SEMA3G c.1580C>T variant is predicted to result in the amino acid substitution p.Thr527Ile. This variant is predicted to enhance a cryptic splice acceptor site based on splicing prediction software (SpliceAI, Jaganathan K, et al. 2019. PubMed ID: 30661751). To our knowledge, this variant has not been reported in the literature or in a large population database, indicating this variant is rare. At this time, the clinical significance of this variant is uncertain due to the absence of conclusive functional and genetic evidence.

NM_020163.3(SEMA3G):c.1580C>T (p.Thr527Ile)

Gene: SEMA3G (semaphorin 3G; minus strand). Cytogenetic location: 3p21.1.
Variant type: single nucleotide variant.
Coding change: c.1580C>T on transcript NM_020163.3 (MANE Select); coding-DNA position 1580, C replaced by T.
Protein change: p.Thr527Ile; replaces threonine 527 with isoleucine.
Molecular consequence: missense variant.
Genome position (GRCh38, 1-based): chr3:52,438,129, G>A on the plus strand (C>T on the coding strand, the complement: SEMA3G is on the minus strand). VCF-style: chr3-52438129-G-A. GRCh37 (hg19) VCF-style: chr3-52472145-G-A.
Other names: short protein forms T527I.
Identifiers: ClinVar variation 3349597 (VCV003349597.1).
Genomic context (GRCh38, chr3:52,438,129, plus strand): 5'-CAGGAGGCACCATCCCAGGCACAGTATGGGTCCCGGGCCAGGCAGCACTCTGCACAGGCA[G>A]TGCCGTAAGTCTCACATTGGTGCAGCCGCAGCTGGGCCACACCCAGCCGAGAGCCCACGT-3'
Protein context (NP_064548.1, residues 517-537): LRLHQCETYG[Thr527Ile]ACAECCLARD